The following is an entry in ClinVar:

NM_014249.4(NR2E3):c.953C>T (p.Thr318Met)

Gene: NR2E3 (nuclear receptor subfamily 2 group E member 3; plus strand). Cytogenetic location: 15q23.
Variant type: single nucleotide variant.
Coding change: c.953C>T on transcript NM_014249.4 (MANE Select); coding-DNA position 953, C replaced by T.
Protein change: p.Thr318Met; replaces threonine 318 with methionine.
Molecular consequence: missense variant.
Genome position (GRCh38, 1-based): chr15:71,813,594, C>T. VCF-style: chr15-71813594-C-T. GRCh37 (hg19) VCF-style: chr15-72105935-C-T.
Other names: c.953C>T, p.Thr318Met (NM_016346.4); c.953C>T (NM_014249.2); short protein forms T318M.
Identifiers: ClinVar variation 850215 (VCV000850215.11), dbSNP rs755224888, ClinGen allele CA7640440.
Genomic context (GRCh38, chr15:71,813,594, plus strand): 5'-TGGAGACGCGTGTCCTGCAGGAAACTATCTCTCGGTTCCGGGCATTGGCGGTGGACCCCA[C>T]GGAGTTTGCCTGCATGAAGGCCTTGGTCCTCTTCAAGCCAGGTAACTGAGTCTCTGCCCA-3'
Protein context (NP_055064.1, residues 308-328): SRFRALAVDP[Thr318Met]EFACMKALVL

ClinVar aggregate classification (germline): Uncertain significance. Review status: criteria provided, multiple submitters, no conflicts (2 of 4 stars). 7 submissions from 7 submitters: Uncertain significance (4). 3 of the submissions do not count toward it. Last evaluated 2025-10-22.

Conditions:
Retinal dystrophy. Also called: Inherited retinal dystrophy. Identifiers: Orphanet 71862, MedGen C0854723, MeSH D058499, MONDO:0019118, HP:0000556.
Retinitis pigmentosa 37 (RP37). Identifiers: Orphanet 791, MedGen C1970163, MONDO:0012625, OMIM 611131.
Enhanced S-cone syndrome (ESCS). Identifiers: Orphanet 53540, MedGen C1849394, MONDO:0100288, MONDO:0009989.
NR2E3-related disorder. Also called: NR2E3-related condition; NR2E3-related disorders. Identifiers: MedGen CN239387.

Allele frequency attached by ClinVar (database versions not stated): TOPMed 0.00003; ExAC 0.00004; gnomAD exomes 0.00004; gnomAD 0.00005 and 0.00006.
gnomAD v4.1: 56 of 1,613,818 alleles (0.0035%); highest among the groups gnomAD compares: Non-Finnish European, 0.0042%; no homozygotes.

Submissions (7):

Labcorp Genetics (formerly Invitae), Labcorp
Classification: Uncertain significance. Last evaluated: 2025-10-22. Review status: criteria provided, single submitter. Criteria: Invitae Variant Classification Sherloc (09022015). Collection method: clinical testing. Allele origin: germline.
Comment: This sequence change replaces threonine, which is neutral and polar, with methionine, which is neutral and non-polar, at codon 318 of the NR2E3 protein (p.Thr318Met). This variant is present in population databases (rs755224888, gnomAD 0.007%). This variant has not been reported in the literature in individuals affected with NR2E3-related conditions. ClinVar contains an entry for this variant (Variation ID: 850215). Invitae Evidence Modeling of protein sequence and biophysical properties (such as structural, functional, and spatial information, amino acid conservation, physicochemical variation, residue mobility, and thermodynamic stability) indicates that this missense variant is not expected to disrupt NR2E3 protein function with a negative predictive value of 80%. In summary, the available evidence is currently insufficient to determine the role of this variant in disease. Therefore, it has been classified as a Variant of Uncertain Significance.

PreventionGenetics, part of Exact Sciences
Classification: Uncertain significance for NR2E3-related condition. Last evaluated: 2025-06-01. Review status: criteria provided, single submitter. Criteria: ACMG Guidelines, 2015. Collection method: clinical testing. Allele origin: germline.
Comment: The NR2E3 c.953C>T variant is predicted to result in the amino acid substitution p.Thr318Met. To our knowledge, this variant has not been reported in the literature. This variant is present in 0.0071% of alleles in individuals of European (Non-Finnish) descent in gnomAD. At this time, the clinical significance of this variant is uncertain due to the absence of conclusive functional and genetic evidence.

Blueprint Genetics
Classification: Uncertain significance. Last evaluated: 2023-06-30. Review status: criteria provided, single submitter. Criteria: ACMG Guidelines, 2015. Collection method: clinical testing. Allele origin: germline.

Fulgent Genetics
Classification: Uncertain significance for ENHANCED S-CONE SYNDROME 1; Retinitis pigmentosa 37. Last evaluated: 2021-10-04. Review status: criteria provided, single submitter. Criteria: ACMG Guidelines, 2015. Collection method: clinical testing. Allele origin: unknown.

Institute of Human Genetics, Univ. Regensburg, Univ. Regensburg
Classification: Uncertain significance for Retinal dystrophy. Last evaluated: 2023-01-01. Review status: no assertion criteria provided. Criteria: ACMG Guidelines, 2015. Collection method: clinical testing. Allele origin: germline. Affected: yes. Not counted in ClinVar's aggregate classification.

Natera, Inc.
Classification: Uncertain significance for Enhanced S cone syndrome. Last evaluated: 2021-02-23. Review status: no assertion criteria provided. Collection method: clinical testing. Allele origin: germline. Not counted in ClinVar's aggregate classification.

Department of Pathology and Laboratory Medicine, Sinai Health System
Classification: Uncertain significance. Review status: no assertion criteria provided. Collection method: clinical testing. Allele origin: unknown. Affected: yes. Study: The Canadian Open Genetics Repository (COGR). Not counted in ClinVar's aggregate classification.
Comment: The NR2E3 p.Thr318Met variant was not identified in the literature nor was it identified in ClinVar or LOVD 3.0. The variant was identified in dbSNP (ID: rs755224888) and in control databases in 12 of 279604 chromosomes at a frequency of 0.00004292 (Genome Aggregation Database March 6, 2019, v2.1.1). The variant was observed in the following populations: European (non-Finnish) in 9 of 127592 chromosomes (freq: 0.000071), African in 1 of 24140 chromosomes (freq: 0.000041), European (Finnish) in 1 of 24916 chromosomes (freq: 0.00004) and Latino in 1 of 35368 chromosomes (freq: 0.000028), but was not observed in the Ashkenazi Jewish, East Asian, Other, or South Asian populations. The p.Thr318 residue is conserved in mammals but not in more distantly related organisms, and computational analyses (PolyPhen-2, SIFT, AlignGVGD, BLOSUM) suggest that the variant may impact the protein; however, this information is not predictive enough to assume pathogenicity. The variant occurs outside of the splicing consensus sequence and in silico or computational prediction software programs (SpliceSiteFinder, MaxEntScan, NNSPLICE, GeneSplicer) do not predict a difference in splicing. In summary, based on the above information the clinical significance of this variant cannot be determined with certainty at this time. This variant is classified as a variant of uncertain significance.